The following is an entry in ClinVar:

NM_000660.7(TGFB1):c.783G>C (p.Met261Ile)

Gene: TGFB1 (transforming growth factor beta 1; minus strand). Cytogenetic location: 19q13.2.
Variant type: single nucleotide variant.
Coding change: c.783G>C on transcript NM_000660.7 (MANE Select); coding-DNA position 783, G replaced by C.
Protein change: p.Met261Ile; replaces methionine 261 with isoleucine.
Molecular consequence: missense variant.
Genome position (GRCh38, 1-based): chr19:41,341,960, C>G on the plus strand (G>C on the coding strand, the complement: TGFB1 is on the minus strand). VCF-style: chr19-41341960-C-G. GRCh37 (hg19) VCF-style: chr19-41847865-C-G.
Other names: short protein forms M261I.
Identifiers: ClinVar variation 2964956 (VCV002964956.3), dbSNP rs2513381223, ClinGen allele CA405999453.

ClinVar aggregate classification (germline): Uncertain significance (1 of 4 stars; one submission).

Submission:

Labcorp Genetics (formerly Invitae), Labcorp
Classification: Uncertain significance. Last evaluated: 2022-11-18. Review status: criteria provided, single submitter. Criteria: Invitae Variant Classification Sherloc (09022015). Collection method: clinical testing. Allele origin: germline.
Comment: In summary, the available evidence is currently insufficient to determine the role of this variant in disease. Therefore, it has been classified as a Variant of Uncertain Significance. Algorithms developed to predict the effect of missense changes on protein structure and function (SIFT, PolyPhen-2, Align-GVGD) all suggest that this variant is likely to be tolerated. This variant has not been reported in the literature in individuals affected with TGFB1-related conditions. This variant is not present in population databases (gnomAD no frequency). This sequence change replaces methionine, which is neutral and non-polar, with isoleucine, which is neutral and non-polar, at codon 261 of the TGFB1 protein (p.Met261Ile).